The following is an entry in ClinVar:

ClinVar aggregate classification (germline): Pathogenic (1 of 4 stars; one submission).

Submission:

Labcorp Genetics (formerly Invitae), Labcorp
Classification: Pathogenic. Last evaluated: 2024-04-22. Review status: criteria provided, single submitter. Criteria: Invitae Variant Classification Sherloc (09022015). Collection method: clinical testing. Allele origin: germline.
Comment: This sequence change creates a premature translational stop signal (p.Thr86Profs*12) in the ABCA4 gene. It is expected to result in an absent or disrupted protein product. Loss-of-function variants in ABCA4 are known to be pathogenic (PMID: 10958761, 24938718, 25312043, 26780318). This variant is not present in population databases (gnomAD no frequency). This variant has not been reported in the literature in individuals affected with ABCA4-related conditions. For these reasons, this variant has been classified as Pathogenic.

Literature cited by the submitters: PubMed 10958761; PubMed 24938718; PubMed 25312043; PubMed 26780318.

NM_000350.3(ABCA4):c.256_257del (p.Thr86fs)

Gene: ABCA4 (ATP binding cassette subfamily A member 4; minus strand). Cytogenetic location: 1p22.1.
Variant type: Deletion.
Coding change: c.256_257del on transcript NM_000350.3 (MANE Select); coding-DNA positions 256 to 257, 2 bases deleted (AC; older notation c.256_257delAC).
Protein change: p.Thr86fs; shifts the reading frame from threonine 86.
Molecular consequence: frameshift variant.
Genome position (GRCh38, 1-based): chr1:94,111,483-94,111,484, GT deleted on the plus strand (AC on the coding strand, the reverse complement: ABCA4 is on the minus strand); deleting any 2 consecutive bases within chr1:94,111,483-94,111,485 gives the same sequence; the c. name uses the placement nearest the transcript's 3' end. VCF-style (leftmost placement, unchanged base first): chr1-94111482-GGT-G. GRCh37 (hg19) VCF-style: chr1-94577038-GGT-G.
Other names: c.256_257del, p.Thr86fs (NM_001425324.1); short protein forms T86fs.
Identifiers: ClinVar variation 3689538 (VCV003689538.2).